The following is an entry in ClinVar:

NM_000051.4(ATM):c.6573-16A>T

Genes: ATM (ATM serine/threonine kinase; plus strand), C11orf65 (chromosome 11 open reading frame 65; minus strand). Cytogenetic location: 11q22.3.
Variant type: single nucleotide variant.
Coding change: c.6573-16A>T on transcript NM_000051.4 (MANE Select); 16 bases into the intron before coding-DNA position 6573, A replaced by T.
Molecular consequence: intron variant.
Genome position (GRCh38, 1-based): chr11:108,325,294, A>T. VCF-style: chr11-108325294-A-T. GRCh37 (hg19) VCF-style: chr11-108196021-A-T.
Other names: c.6573-16A>T (NM_001351834.2); c.641-16223T>A (NM_001330368.2); c.*38+9926T>A (NM_001351110.2).
Identifiers: ClinVar variation 3253937 (VCV003253937.1), dbSNP rs764506673.

ClinVar aggregate classification (germline): Likely benign (1 of 4 stars; one submission).

Conditions:
Familial cancer of breast. Also called: hereditary breast carcinoma; BREAST CANCER, FAMILIAL; Hereditary breast cancer. Identifiers: Orphanet 227535, MedGen C0346153, MONDO:0016419, OMIM 114480. Disease mechanism: loss of function.

Submission:

Myriad Genetics, Inc.
Classification: Likely benign for Familial cancer of breast. Last evaluated: 2024-06-07. Review status: criteria provided, single submitter. Criteria: Myriad Autosomal Dominant, Autosomal Recessive and X-Linked Classification Criteria (2023). Collection method: clinical testing. Allele origin: unknown.
Comment: This variant is considered likely benign. This variant is intronic and is not expected to impact mRNA splicing.